The following is an entry in ClinVar:

ClinVar aggregate classification (germline): Uncertain significance. Review status: criteria provided, multiple submitters, no conflicts (2 of 4 stars). 2 submissions from 2 submitters: Uncertain significance (2). Last evaluated 2025-11-02.

Conditions:
Hereditary cancer-predisposing syndrome. Also called: Hereditary Cancer Syndrome; Hereditary neoplastic syndrome; Tumor predisposition; Neoplastic Syndromes, Hereditary. Identifiers: Orphanet 140162, MedGen C0027672, MeSH D009386, MONDO:0015356.
Cardiovascular phenotype. Identifiers: MedGen CN230736.

Submissions (2):

Labcorp Genetics (formerly Invitae), Labcorp
Classification: Uncertain significance. Last evaluated: 2025-11-02. Review status: criteria provided, single submitter. Criteria: Invitae Variant Classification Sherloc (09022015). Collection method: clinical testing. Allele origin: germline.
Comment: This sequence change replaces valine, which is neutral and non-polar, with leucine, which is neutral and non-polar, at codon 511 of the LZTR1 protein (p.Val511Leu). This variant is not present in population databases (gnomAD no frequency). This variant has not been reported in the literature in individuals affected with LZTR1-related conditions. ClinVar contains an entry for this variant (Variation ID: 3541551). Invitae Evidence Modeling of protein sequence and biophysical properties (such as structural, functional, and spatial information, amino acid conservation, physicochemical variation, residue mobility, and thermodynamic stability) indicates that this missense variant is not expected to disrupt LZTR1 protein function with a negative predictive value of 80%. In summary, the available evidence is currently insufficient to determine the role of this variant in disease. Therefore, it has been classified as a Variant of Uncertain Significance.

Ambry Genetics
Classification: Uncertain significance for Cardiovascular phenotype; Hereditary cancer-predisposing syndrome. Last evaluated: 2024-08-10. Review status: criteria provided, single submitter. Criteria: Ambry Variant Classification Scheme 2023. Collection method: clinical testing. Allele origin: germline.
Comment: The p.V511L variant (also known as c.1531G>C), located in coding exon 14 of the LZTR1 gene, results from a G to C substitution at nucleotide position 1531. The valine at codon 511 is replaced by leucine, an amino acid with highly similar properties. This amino acid position is conserved. In addition, the in silico prediction for this alteration is inconclusive. Based on the available evidence, the clinical significance of this variant remains unclear.

NM_006767.4(LZTR1):c.1531G>C (p.Val511Leu)

Gene: LZTR1 (leucine zipper like post translational regulator 1; plus strand). Cytogenetic location: 22q11.21.
Variant type: single nucleotide variant.
Coding change: c.1531G>C on transcript NM_006767.4 (MANE Select); coding-DNA position 1531, G replaced by C.
Protein change: p.Val511Leu; replaces valine 511 with leucine.
Molecular consequence: missense variant.
Genome position (GRCh38, 1-based): chr22:20,994,185, G>C. VCF-style: chr22-20994185-G-C. GRCh37 (hg19) VCF-style: chr22-21348474-G-C.
Other names: short protein forms V511L.
Identifiers: ClinVar variation 3541551 (VCV003541551.2).
Genomic context (GRCh38, chr22:20,994,185, plus strand): 5'-CCAGTTCCCAGGGAGGCCCCCGGCGTGGCTGCTGGTGGGGCCCGGCCGCCCCTGCTGCAC[G>C]TGGCCATCCGGGAGGCCGAGGCCCGGCCCTTCGAGGTGCTCATGCAGTTCCTCTACACCG-3'
Protein context (NP_006758.2, residues 501-521): AGGARPPLLH[Val511Leu]AIREAEARPF